The following is an entry in ClinVar:

ClinVar aggregate classification (germline): Uncertain significance. Review status: criteria provided, multiple submitters, no conflicts (2 of 4 stars). 7 submissions from 7 submitters: Uncertain significance (6). 1 of the submissions does not count toward it. Last evaluated 2025-06-06.

Conditions:
Hereditary cancer-predisposing syndrome. Also called: Hereditary Cancer Syndrome; Hereditary neoplastic syndrome; Tumor predisposition; Neoplastic Syndromes, Hereditary. Identifiers: Orphanet 140162, MedGen C0027672, MeSH D009386, MONDO:0015356.
Fanconi anemia complementation group C (FANCC). Also called: FANCONI PANCYTOPENIA, TYPE 3; FACC; FANCC-Related Fanconi Anemia; Fanconi anemia, group C. Identifiers: Orphanet 84, MedGen C3468041, MONDO:0009213, OMIM 227645.
Fanconi anemia (FA). Also called: Fanconi's anemia. Identifiers: Orphanet 84, MedGen C0015625, MeSH D005199, MONDO:0019391.

Allele frequency attached by ClinVar (database versions not stated): gnomAD exomes below 0.00001; TOPMed below 0.00001; gnomAD 0.00001.
gnomAD v4.1: 2 of 1,614,054 alleles (0.00012%); highest among the groups gnomAD compares: African/African-American, 0.0013%; no homozygotes.

Submissions (7):

Ambry Genetics
Classification: Uncertain significance for Hereditary cancer-predisposing syndrome. Last evaluated: 2025-06-06. Review status: criteria provided, single submitter. Criteria: Ambry Variant Classification Scheme 2023. Collection method: clinical testing. Allele origin: germline.
Comment: The p.I315V variant (also known as c.943A>G), located in coding exon 9 of the FANCC gene, results from an A to G substitution at nucleotide position 943. The isoleucine at codon 315 is replaced by valine, an amino acid with highly similar properties. This amino acid position is poorly conserved in available vertebrate species. In addition, this alteration is predicted to be tolerated by in silico analysis. Since supporting evidence is limited at this time, the clinical significance of this alteration remains unclear.

Quest Diagnostics Nichols Institute San Juan Capistrano
Classification: Uncertain significance. Last evaluated: 2025-05-02. Review status: criteria provided, single submitter. Criteria: Quest Diagnostics criteria. Collection method: clinical testing. Allele origin: unknown.
Comment: The FANCC c.943A>G (p.Ile315Val) variant has not been reported in individuals with FANCC-related conditions in the published literature. The frequency of this variant in the general population (Genome Aggregation Database) is uninformative in the assessment of its pathogenicity. Analysis of this variant using bioinformatics tools for the prediction of the effect of amino acid changes on protein structure and function yielded predictions that this variant is benign. Based on the available information, we are unable to determine the clinical significance of this variant.

Fulgent Genetics
Classification: Uncertain significance for Fanconi anemia complementation group C. Last evaluated: 2024-05-08. Review status: criteria provided, single submitter. Criteria: ACMG Guidelines, 2015. Collection method: clinical testing. Allele origin: germline.

Labcorp Genetics (formerly Invitae), Labcorp
Classification: Uncertain significance for Fanconi anemia. Last evaluated: 2023-08-01. Review status: criteria provided, single submitter. Criteria: Invitae Variant Classification Sherloc (09022015). Collection method: clinical testing. Allele origin: germline.
Comment: ClinVar contains an entry for this variant (Variation ID: 127549). This variant has not been reported in the literature in individuals affected with FANCC-related conditions. This variant is not present in population databases (gnomAD no frequency). This sequence change replaces isoleucine, which is neutral and non-polar, with valine, which is neutral and non-polar, at codon 315 of the FANCC protein (p.Ile315Val). Advanced modeling of protein sequence and biophysical properties (such as structural, functional, and spatial information, amino acid conservation, physicochemical variation, residue mobility, and thermodynamic stability) performed at Invitae indicates that this missense variant is not expected to disrupt FANCC protein function. In summary, the available evidence is currently insufficient to determine the role of this variant in disease. Therefore, it has been classified as a Variant of Uncertain Significance.

Institute for Clinical Genetics, University Hospital TU Dresden, University Hospital TU Dresden
Classification: Uncertain significance. Last evaluated: 2021-11-03. Review status: criteria provided, single submitter. Criteria: ACMG Guidelines, 2015. Collection method: clinical testing. Allele origin: germline.

GeneDx
Classification: Uncertain significance. Last evaluated: 2018-11-27. Review status: criteria provided, single submitter. Criteria: GeneDx Variant Classification (06012015). Collection method: clinical testing. Allele origin: germline. Affected: yes.
Comment: This variant is denoted FANCC c.943A>G at the cDNA level, p.Ile315Val (I315V) at the protein level, and results in the change of an Isoleucine to a Valine (ATT>GTT). This variant has not, to our knowledge, been published in the literature as pathogenic or benign. FANCC Ile315Val was not observed in large population cohorts (Lek 2016). This variant is located in a region that interacts with Hsp70 (Gordon 2000). In silico analysis, which includes protein predictors and evolutionary conservation, supports that this variant does not alter protein structure/function. Based on the currently available information, we consider FANCC Ile315Val to be a variant of uncertain significance.

Natera, Inc.
Classification: Uncertain significance for Fanconi anemia. Last evaluated: 2018-05-18. Review status: no assertion criteria provided. Collection method: clinical testing. Allele origin: germline. Not counted in ClinVar's aggregate classification.

NM_000136.3(FANCC):c.943A>G (p.Ile315Val)

Genes: AOPEP (aminopeptidase O (putative); plus strand), FANCC (FA complementation group C; minus strand). Cytogenetic location: 9q22.32.
Variant type: single nucleotide variant.
Coding change: c.943A>G on transcript NM_000136.3 (MANE Select); coding-DNA position 943, A replaced by G.
Protein change: p.Ile315Val; replaces isoleucine 315 with valine.
Molecular consequence: missense variant.
Genome position (GRCh38, 1-based): chr9:95,125,139, T>C on the plus strand (A>G on the coding strand, the complement: FANCC is on the minus strand). VCF-style: chr9-95125139-T-C. GRCh37 (hg19) VCF-style: chr9-97887421-T-C.
Other names: p.I315V:ATT>GTT; c.943A>G, p.Ile315Val (NM_001243743.2, NM_001243744.2); short protein forms I315V.
Identifiers: ClinVar variation 127549 (VCV000127549.17), dbSNP rs587779910, ClinGen allele CA287236.